The following is an entry in ClinVar:

ClinVar aggregate classification (germline): Conflicting classifications of pathogenicity. Review status: criteria provided, conflicting classifications (1 of 4 stars). 8 submissions from 8 submitters: Uncertain significance (7); Benign (1). Last evaluated 2026-01-10.

Conditions:
Multiple endocrine neoplasia, type 2 (MEN2). Identifiers: Orphanet 653, MedGen C4048306, MONDO:0019003. Disease mechanism: gain of function.
Hirschsprung disease, susceptibility to, 1 (HSCR1). Also called: RET-Related Hirschsprung Disease. Identifiers: Orphanet 388, MedGen C3888239, MONDO:0007723, OMIM 142623.
Multiple endocrine neoplasia type 2B. Also called: MEN 2B; MUCOSAL NEUROMA SYNDROME; Multiple endocrine neoplasia, type 3; MULTIPLE ENDOCRINE NEOPLASIA, TYPE IIB; Multiple Endocrine Neoplasia Type 2B (MEN2B); MEN IIB. Identifiers: Orphanet 247709, Orphanet 653, MedGen C0025269, MeSH D018814, MONDO:0008082, OMIM 162300.
Pheochromocytoma. Also called: MAX-Related Hereditary Paraganglioma-Pheochromocytoma Syndrome. Identifiers: Orphanet 29072, MedGen C0031511, MONDO:0008233, OMIM 171300, HP:0002666.
Familial medullary thyroid carcinoma (MTC). Also called: Thyroid cancer, familial medullary; MTC, familial; Familial Medullary Thyroid Carcinoma (FMTC). Identifiers: Orphanet 653, Orphanet 99361, MedGen C1833921, MONDO:0007958, OMIM 155240.
Multiple endocrine neoplasia type 2A. Also called: MULTIPLE ENDOCRINE NEOPLASIA, TYPE IIA; PTC SYNDROME; SIPPLE SYNDROME; MEN 2A; MEN-2A syndrome; Pheochromocytoma and amyloid producing medullary thyroid carcinoma. Identifiers: Orphanet 247698, Orphanet 653, MedGen C0025268, MeSH D018813, MONDO:0008234, OMIM 171400.
Hereditary cancer-predisposing syndrome. Also called: Neoplastic Syndromes, Hereditary; Hereditary Cancer Syndrome; Tumor predisposition; Hereditary neoplastic syndrome. Identifiers: Orphanet 140162, MedGen C0027672, MeSH D009386, MONDO:0015356.

Allele frequency attached by ClinVar (database versions not stated): gnomAD exomes below 0.00001 and 0.00001; ExAC 0.00003; TOPMed 0.00005; gnomAD 0.00006 and 0.00007.
gnomAD v4.1: 15 of 1,613,274 alleles (0.00093%); highest among the groups gnomAD compares: African/African-American, 0.02%; no homozygotes.

Submissions (8):

Labcorp Genetics (formerly Invitae), Labcorp
Classification: Uncertain significance for Multiple endocrine neoplasia, type 2. Last evaluated: 2026-01-10. Review status: criteria provided, single submitter. Criteria: Invitae Variant Classification Sherloc (09022015). Collection method: clinical testing. Allele origin: germline.
Comment: This sequence change replaces glycine, which is neutral and non-polar, with serine, which is neutral and polar, at codon 28 of the RET protein (p.Gly28Ser). This variant is present in population databases (rs779905135, gnomAD 0.02%). This variant has not been reported in the literature in individuals affected with RET-related conditions. ClinVar contains an entry for this variant (Variation ID: 651895). An algorithm developed to predict the effect of missense changes on protein structure and function (PolyPhen-2) suggests that this variant is likely to be disruptive. In summary, the available evidence is currently insufficient to determine the role of this variant in disease. Therefore, it has been classified as a Variant of Uncertain Significance.

Fulgent Genetics
Classification: Uncertain significance for Hirschsprung disease, susceptibility to, 1; Familial medullary thyroid carcinoma; Multiple endocrine neoplasia type 2B; Pheochromocytoma; Multiple endocrine neoplasia type 2A. Last evaluated: 2024-02-20. Review status: criteria provided, single submitter. Criteria: ACMG Guidelines, 2015. Collection method: clinical testing. Allele origin: germline.

GeneDx
Classification: Uncertain significance. Last evaluated: 2024-02-16. Review status: criteria provided, single submitter. Criteria: GeneDx Variant Classification Process June 2021. Collection method: clinical testing. Allele origin: germline. Affected: yes.
Comment: Not observed at significant frequency in large population cohorts (gnomAD); In silico analysis supports that this missense variant does not alter protein structure/function; Has not been previously published as pathogenic or benign to our knowledge; This variant is associated with the following publications: (PMID: 14633923)

All of Us Research Program, National Institutes of Health
Classification: Uncertain significance for Multiple endocrine neoplasia, type 2. Last evaluated: 2023-12-01. Review status: criteria provided, single submitter. Criteria: ACMG Guidelines, 2015. Collection method: clinical testing. Allele origin: germline. Inheritance: Autosomal dominant inheritance. Observed: 6 variant alleles, 6 heterozygotes.
Comment: This missense variant replaces glycine with serine at codon 28 of the RET protein. Computational prediction is inconclusive regarding the impact of this variant on protein structure and function (internally defined REVEL score threshold 0.5 < inconclusive < 0.7, PMID: 27666373). To our knowledge, functional studies have not been reported for this variant. This variant has not been reported in individuals affected with RET-related disorders in the literature. This variant has been identified in 4/278834 chromosomes in the general population by the Genome Aggregation Database (gnomAD). The available evidence is insufficient to determine the role of this variant in disease conclusively. Therefore, this variant is classified as a Variant of Uncertain Significance.

This study involves interpretation of variants in research participants for the purpose of population health screening. Participant phenotype was not available at the time of variant classification. Additional details can be found in publication PMID: 35346344, PMCID: PMC8962531

Baylor Genetics
Classification: Uncertain significance for Hirschsprung disease, susceptibility to, 1. Last evaluated: 2023-11-17. Review status: criteria provided, single submitter. Criteria: ACMG Guidelines, 2015. Collection method: clinical testing. Allele origin: unknown.

Color Diagnostics, LLC DBA Color Health
Classification: Uncertain significance for Multiple endocrine neoplasia, type 2. Last evaluated: 2023-10-05. Review status: criteria provided, single submitter. Criteria: ACMG Guidelines, 2015. Collection method: clinical testing. Allele origin: germline.
Comment: This missense variant replaces glycine with serine at codon 28 of the RET protein. Computational prediction is inconclusive regarding the impact of this variant on protein structure and function. To our knowledge, functional studies have not been reported for this variant. This variant has not been reported in individuals affected with RET-related disorders in the literature. This variant has been identified in 4/278834 chromosomes in the general population by the Genome Aggregation Database (gnomAD). The available evidence is insufficient to determine the role of this variant in disease conclusively. Therefore, this variant is classified as a Variant of Uncertain Significance.

Ambry Genetics
Classification: Benign for Hereditary cancer-predisposing syndrome. Last evaluated: 2023-05-31. Review status: criteria provided, single submitter. Criteria: Ambry Variant Classification Scheme 2023. Collection method: clinical testing. Allele origin: germline.

Mayo Clinic Laboratories, Mayo Clinic
Classification: Uncertain significance. Last evaluated: 2022-03-09. Review status: criteria provided, single submitter. Criteria: ACMG Guidelines, 2015. Collection method: clinical testing. Allele origin: germline. Observed: 1 variant allele.

NM_020975.6(RET):c.82G>A (p.Gly28Ser)

Gene: RET (ret proto-oncogene; plus strand). Cytogenetic location: 10q11.21.
Variant type: single nucleotide variant.
Coding change: c.82G>A on transcript NM_020975.6 (MANE Select); coding-DNA position 82, G replaced by A.
Protein change: p.Gly28Ser; replaces glycine 28 with serine.
Molecular consequence: missense variant.
Genome position (GRCh38, 1-based): chr10:43,100,467, G>A. VCF-style: chr10-43100467-G-A. GRCh37 (hg19) VCF-style: chr10-43595915-G-A.
Other names: p.Gly28Ser; c.82G>A, p.Gly28Ser (NM_000323.2, NM_001406743.1, NM_001406744.1 and 34 more transcripts); short protein forms G28S.
Identifiers: ClinVar variation 651895 (VCV000651895.19), dbSNP rs779905135, ClinGen allele CA045033.